The following is an entry in ClinVar:

NM_000548.5(TSC2):c.3403C>G (p.His1135Asp)

Gene: TSC2 (TSC complex subunit 2; plus strand). Cytogenetic location: 16p13.3.
Variant type: single nucleotide variant.
Coding change: c.3403C>G on transcript NM_000548.5 (MANE Select); coding-DNA position 3403, C replaced by G.
Protein change: p.His1135Asp; replaces histidine 1135 with aspartic acid.
Molecular consequence: missense variant.
Genome position (GRCh38, 1-based): chr16:2,080,170, C>G. VCF-style: chr16-2080170-C-G. GRCh37 (hg19) VCF-style: chr16-2130171-C-G.
Other names: c.3271C>G, p.His1091Asp (NM_001077183.3, NM_001370404.1, NM_001406665.1); c.3403C>G, p.His1135Asp (NM_001114382.3); c.3163C>G, p.His1055Asp (NM_001318827.2); c.3127C>G, p.His1043Asp (NM_001318829.2); c.2671C>G, p.His891Asp (NM_001318831.2, NM_001406687.1, NM_001406688.1); c.3304C>G, p.His1102Asp (NM_001318832.2); c.3274C>G, p.His1092Asp (NM_001363528.2, NM_001370405.1, NM_021055.3); c.3400C>G, p.His1134Asp (NM_001406663.1, NM_001406664.1); and 18 more; short protein forms H1043D, H1054D, H1087D, H1102D, H1135D, H643D, H644D, H934D.
Identifiers: ClinVar variation 1731096 (VCV001731096.4), dbSNP rs2151455693, ClinGen allele CA394288368.

ClinVar aggregate classification (germline): Uncertain significance. Review status: criteria provided, multiple submitters, no conflicts (2 of 4 stars). 2 submissions from 2 submitters: Uncertain significance (2). Last evaluated 2025-09-04.

Conditions:
Hereditary cancer-predisposing syndrome. Also called: Neoplastic Syndromes, Hereditary; Tumor predisposition; Hereditary Cancer Syndrome; Hereditary neoplastic syndrome. Identifiers: Orphanet 140162, MedGen C0027672, MeSH D009386, MONDO:0015356.
Tuberous sclerosis syndrome (TSC). Also called: Tuberous Sclerosis Complex; Tuberous sclerosis. Identifiers: Orphanet 805, MedGen C0041341, MONDO:0001734.

gnomAD v4.1: 1 of 1,612,936 alleles (0.000062%); highest among the groups gnomAD compares: Non-Finnish European, 0.000085%; no homozygotes.

Submissions (2):

Color Diagnostics, LLC DBA Color Health
Classification: Uncertain significance for Tuberous sclerosis syndrome. Last evaluated: 2025-09-04. Review status: criteria provided, single submitter. Criteria: ACMG Guidelines, 2015. Collection method: clinical testing. Allele origin: germline.
Comment: This missense variant replaces histidine with aspartic acid at codon 1135 of the TSC2 protein. Computational prediction is inconclusive regarding the impact of this variant on protein structure and function. To our knowledge, functional studies have not been reported for this variant. This variant has not been reported in individuals affected with TSC2-related disorders in the literature. This variant has not been identified in the general population by the Genome Aggregation Database (gnomAD). The available evidence is insufficient to determine the role of this variant in disease conclusively. Therefore, this variant is classified as a Variant of Uncertain Significance.

Ambry Genetics
Classification: Uncertain significance for Hereditary cancer-predisposing syndrome. Last evaluated: 2025-02-01. Review status: criteria provided, single submitter. Criteria: Ambry Variant Classification Scheme 2023. Collection method: clinical testing. Allele origin: germline.
Comment: The p.H1135D variant (also known as c.3403C>G), located in coding exon 29 of the TSC2 gene, results from a C to G substitution at nucleotide position 3403. The histidine at codon 1135 is replaced by aspartic acid, an amino acid with similar properties. This amino acid position is highly conserved in available vertebrate species. In addition, this alteration is predicted to be deleterious by in silico analysis. Based on the available evidence, the clinical significance of this variant remains unclear.